The following is an entry in ClinVar:

NM_000264.5(PTCH1):c.2151C>G (p.Asp717Glu)

Genes: PTCH1 (patched 1; minus strand), LOC100507346 (uncharacterized LOC100507346; plus strand). Cytogenetic location: 9q22.32.
Variant type: single nucleotide variant.
Coding change: c.2151C>G on transcript NM_000264.5 (MANE Select); coding-DNA position 2151, C replaced by G.
Protein change: p.Asp717Glu; replaces aspartic acid 717 with glutamic acid.
Molecular consequence: missense variant. On other transcripts: non-coding transcript variant (2).
Genome position (GRCh38, 1-based): chr9:95,468,850, G>C on the plus strand (C>G on the coding strand, the complement: PTCH1 is on the minus strand). VCF-style: chr9-95468850-G-C. GRCh37 (hg19) VCF-style: chr9-98231132-G-C.
Other names: c.1953C>G, p.Asp651Glu (NM_001083602.3); c.2148C>G, p.Asp716Glu (NM_001083603.3); c.1698C>G, p.Asp566Glu (NM_001083604.3, NM_001083605.3, NM_001083606.3 and 1 more transcripts); c.1995C>G, p.Asp665Glu (NM_001354918.2); short protein forms D566E, D651E, D665E, D716E, D717E.
Identifiers: ClinVar variation 3061362 (VCV003061362.3), dbSNP rs1432530307, ClinGen allele CA374115534.

ClinVar aggregate classification (germline): Uncertain significance. Review status: criteria provided, single submitter (1 of 4 stars). 2 submissions from 2 submitters: Uncertain significance (1). 1 of the submissions does not count toward it. Last evaluated 2025-08-28.

Conditions:
Hereditary cancer-predisposing syndrome. Also called: Neoplastic Syndromes, Hereditary; Tumor predisposition; Hereditary neoplastic syndrome; Hereditary Cancer Syndrome. Identifiers: Orphanet 140162, MedGen C0027672, MeSH D009386, MONDO:0015356.
PTCH1-related disorder. Also called: PTCH1-related disorders; PTCH1-related condition.

gnomAD v4.1: 2 of 1,614,204 alleles (0.00012%); highest among the groups gnomAD compares: Non-Finnish European, 0.00017%; no homozygotes.

Submissions (2):

Ambry Genetics
Classification: Uncertain significance for Hereditary cancer-predisposing syndrome. Last evaluated: 2025-08-28. Review status: criteria provided, single submitter. Criteria: Ambry Variant Classification Scheme 2023. Collection method: clinical testing. Allele origin: germline.
Comment: The p.D717E variant (also known as c.2151C>G), located in coding exon 14 of the PTCH1 gene, results from a C to G substitution at nucleotide position 2151. The aspartic acid at codon 717 is replaced by glutamic acid, an amino acid with highly similar properties. This amino acid position is conserved. In addition, this alteration is predicted to be tolerated by in silico analysis. Based on the available evidence, the clinical significance of this variant remains unclear.

PreventionGenetics, part of Exact Sciences
Classification: Uncertain significance for PTCH1-related condition. Last evaluated: 2024-02-29. Review status: no assertion criteria provided. Collection method: clinical testing. Allele origin: germline. Not counted in ClinVar's aggregate classification.
Comment: The PTCH1 c.2151C>G variant is predicted to result in the amino acid substitution p.Asp717Glu. To our knowledge, this variant has not been reported in the literature or in a large population database indicating this variant is rare. This variant is not present in ClinVar. At this time, the clinical significance of this variant is uncertain due to the absence of conclusive functional and genetic evidence.